The following is an entry in ClinVar:

ClinVar aggregate classification (germline): Conflicting classifications of pathogenicity. Review status: criteria provided, conflicting classifications (1 of 4 stars). 8 submissions from 7 submitters: Uncertain significance (7); Likely benign (1). Last evaluated 2026-09-23.

Conditions:
History of neurodevelopmental disorder. Identifiers: MedGen C2711754.
KIF1A-related disorder. Also called: KIF1A-related disorders; KIF1A-related condition.
Inborn genetic diseases. Identifiers: MedGen C0950123, MeSH D030342.
Hereditary spastic paraplegia 30. Identifiers: Orphanet 101010, MedGen C5235139, MONDO:0012476.
Neuropathy, hereditary sensory, type 2C. Also called: Hereditary sensory and autonomic neuropathy type IIC; KIF1A-Related HSAN2 (HSAN2C). Identifiers: Orphanet 970, MedGen C3280168, MONDO:0013634, OMIM 614213.
Intellectual disability, autosomal dominant 9 (NESCAVS). Also called: KIF1A-Related Neurodevelopmental Disorder; NESCAV SYNDROME. Identifiers: Orphanet 662367, MedGen C5393830, MONDO:0013656, OMIM 614255.

Allele frequency attached by ClinVar (database versions not stated): ESP Exome Variant Server 0.00008; TOPMed 0.00010; ExAC 0.00012; gnomAD 0.00012 and 0.00013; gnomAD exomes 0.00016.
gnomAD v4.1: 492 of 1,610,898 alleles (0.031%); highest among the groups gnomAD compares: Non-Finnish European, 0.039%; 1 homozygote.

Submissions (8):

PreventionGenetics, part of Exact Sciences
Classification: Uncertain significance for KIF1A-related condition. Last evaluated: 2026-09-23. Review status: criteria provided, single submitter. Criteria: ACMG Guidelines, 2015. Collection method: clinical testing. Allele origin: germline.
Comment: The KIF1A c.1663G>A variant is predicted to result in the amino acid substitution p.Asp555Asn. To our knowledge, this variant has not been reported in the literature. This variant is reported in 0.025% of alleles in individuals of European (Non-Finnish) descent in gnomAD. Although we suspect that this variant may be benign, at this time, the clinical significance of this variant is uncertain due to the absence of conclusive functional and genetic evidence.

Labcorp Genetics (formerly Invitae), Labcorp
Classification: Likely benign for Hereditary spastic paraplegia 30; Neuropathy, hereditary sensory, type 2C; Intellectual disability, autosomal dominant 9. Last evaluated: 2026-01-19. Review status: criteria provided, single submitter. Criteria: Invitae Variant Classification Sherloc (09022015). Collection method: clinical testing. Allele origin: germline.

CeGaT Center for Human Genetics Tuebingen
Classification: Uncertain significance. Last evaluated: 2025-04-01. Review status: criteria provided, single submitter. Criteria: CeGaT Center For Human Genetics Tuebingen Variant Classification Criteria Version 2. Collection method: clinical testing. Allele origin: germline. Affected: yes. Observed: 2 variant alleles.
Comment: KIF1A: PP2

GeneDx
Classification: Uncertain significance. Last evaluated: 2025-03-11. Review status: criteria provided, single submitter. Criteria: GeneDx Variant Classification Process June 2021. Collection method: clinical testing. Allele origin: germline. Affected: yes.
Comment: In silico analysis indicates that this missense variant does not alter protein structure/function; Has not been previously published as pathogenic or benign to our knowledge; This variant is associated with the following publications: (PMID: 21376300, 21820098, 26125038)

Ambry Genetics
Classification: Uncertain significance for Inborn genetic diseases. Last evaluated: 2022-12-13. Review status: criteria provided, single submitter. Criteria: Ambry General Variant Classification Scheme_2022. Collection method: clinical testing. Allele origin: germline. Observed: 1 variant allele.
Comment: Hereditary sensory neuropathy type IIC does not currently meet published gene-disease clinical validity criteria for this gene (Smith, 2017) Based on insufficient or conflicting evidence, the clinical significance of this alteration remains unclear.

Illumina Laboratory Services, Illumina
Classification: Uncertain significance for Spastic paraplegia 30A, autosomal dominant. Last evaluated: 2018-01-13. Review status: criteria provided, single submitter. Criteria: ICSL Variant Classification Criteria 13 December 2019. Collection method: clinical testing. Allele origin: germline.

Genetic Services Laboratory, University of Chicago
Classification: Uncertain significance. Last evaluated: 2017-03-20. Review status: criteria provided, single submitter. Criteria: ACMG Guidelines, 2015. Collection method: clinical testing. Allele origin: germline. Affected: no.

Ambry Genetics
Classification: Uncertain significance for History of neurodevelopmental disorder. Last evaluated: 2016-08-17. Review status: criteria provided, single submitter. Criteria: Ambry Autosomal Dominant and X-Linked criteria (10/2015). Collection method: clinical testing. Allele origin: germline. Observed: 1 variant allele.
Comment: The p.D546N variant (also known as c.1636G>A), located in coding exon 17 of the KIF1A gene, results from a G to A substitution at nucleotide position 1636. The aspartic acid at codon 546 is replaced by asparagine, an amino acid with highly similar properties. This amino acid position is well conserved in available vertebrate species. In addition, this alteration is predicted to be tolerated by in silico analysis. Since supporting evidence is limited at this time, the clinical significance of this alteration remains unclear.

Literature cited by the submitters: PubMed 28106320 (cited by Ambry Genetics).

NM_001244008.2(KIF1A):c.1663G>A (p.Asp555Asn)

Gene: KIF1A (kinesin family member 1A; minus strand). Cytogenetic location: 2q37.3.
Variant type: single nucleotide variant.
Coding change: c.1663G>A on transcript NM_001244008.2 (MANE Select); coding-DNA position 1663, G replaced by A.
Protein change: p.Asp555Asn; replaces aspartic acid 555 with asparagine.
Molecular consequence: missense variant.
Genome position (GRCh38, 1-based): chr2:240,766,936, C>T on the plus strand (G>A on the coding strand, the complement: KIF1A is on the minus strand). VCF-style: chr2-240766936-C-T. GRCh37 (hg19) VCF-style: chr2-241706353-C-T.
Other names: c.1663G>A (NM_001244008.1); c.1636G>A, p.Asp546Asn (NM_001379640.1, NM_001379641.1, NM_001379642.1 and 10 more transcripts); c.1738G>A, p.Asp580Asn (NM_001379646.1, NM_001330290.2, NM_001379631.1 and 2 more transcripts); c.1711G>A, p.Asp571Asn (NM_001379648.1, NM_001379637.1); c.1663G>A, p.Asp555Asn (NM_001320705.2, NM_001330289.2, NM_001379638.1); short protein forms D546N, D555N, D580N, D571N.
Identifiers: ClinVar variation 246249 (VCV000246249.52), dbSNP rs375972461, ClinGen allele CA2208322.